The following is an entry in ClinVar:

NM_004304.5(ALK):c.3409G>C (p.Gly1137Arg)

Gene: ALK (ALK receptor tyrosine kinase; minus strand). Cytogenetic location: 2p23.2.
Variant type: single nucleotide variant.
Coding change: c.3409G>C on transcript NM_004304.5 (MANE Select); coding-DNA position 3409, G replaced by C.
Protein change: p.Gly1137Arg; replaces glycine 1137 with arginine.
Molecular consequence: missense variant.
Genome position (GRCh38, 1-based): chr2:29,222,558, C>G on the plus strand (G>C on the coding strand, the complement: ALK is on the minus strand). VCF-style: chr2-29222558-C-G. GRCh37 (hg19) VCF-style: chr2-29445424-C-G.
Other names: c.205G>C, p.Gly69Arg (NM_001353765.2); short protein forms G1137R, G69R.
Identifiers: ClinVar variation 1491756 (VCV001491756.8), dbSNP rs762571775, ClinGen allele CA346463901.
Genomic context (GRCh38, chr2:29,222,558, plus strand): 5'-AGAGTGAGCCACTTCTTACCTTCACAGCCACTTGCAGGGGGCTTGGGTCGTTGGGCATTC[C>G]GGACACCTGGCCTTCATACACCTCCCCAAAGGCGCCATGGCCCAGACCCCTGTGCAAAGG-3'
Protein context (NP_004295.2, residues 1127-1147): FGEVYEGQVS[Gly1137Arg]MPNDPSPLQV

ClinVar aggregate classification (germline): Uncertain significance (1 of 4 stars; one submission).

Conditions:
Neuroblastoma, susceptibility to, 3. Also called: ALK-Related Neuroblastic Tumor Susceptibility. Identifiers: Orphanet 635, MedGen C2751681, MONDO:0013083, OMIM 613014.

gnomAD v4.1: 1 of 1,614,070 alleles (0.000062%); highest among the groups gnomAD compares: Non-Finnish European, 0.000085%; no homozygotes.

Submission:

Labcorp Genetics (formerly Invitae), Labcorp
Classification: Uncertain significance for Neuroblastoma, susceptibility to, 3. Last evaluated: 2025-03-16. Review status: criteria provided, single submitter. Criteria: Invitae Variant Classification Sherloc (09022015). Collection method: clinical testing. Allele origin: germline.
Comment: This sequence change replaces glycine, which is neutral and non-polar, with arginine, which is basic and polar, at codon 1137 of the ALK protein (p.Gly1137Arg). This variant is present in population databases (no rsID available, gnomAD 0.0009%). This variant has not been reported in the literature in individuals affected with ALK-related conditions. ClinVar contains an entry for this variant (Variation ID: 1491756). An algorithm developed to predict the effect of missense changes on protein structure and function (PolyPhen-2) suggests that this variant is likely to be disruptive. In summary, the available evidence is currently insufficient to determine the role of this variant in disease. Therefore, it has been classified as a Variant of Uncertain Significance.